The following is an entry in ClinVar:

NM_002471.4(MYH6):c.643-1G>A

Gene: MYH6 (myosin heavy chain 6; minus strand). Cytogenetic location: 14q11.2.
Variant type: single nucleotide variant.
Coding change: c.643-1G>A on transcript NM_002471.4 (MANE Select); the canonical splice acceptor site of the intron before coding-DNA position 643, G replaced by A.
Molecular consequence: splice acceptor variant.
Genome position (GRCh38, 1-based): chr14:23,404,389, C>T on the plus strand (G>A on the coding strand, the complement: MYH6 is on the minus strand). VCF-style: chr14-23404389-C-T. GRCh37 (hg19) VCF-style: chr14-23873598-C-T.
Identifiers: ClinVar variation 1989849 (VCV001989849.6), dbSNP rs2502204311, ClinGen allele CA389029230.

ClinVar aggregate classification (germline): Uncertain significance. Review status: criteria provided, multiple submitters, no conflicts (2 of 4 stars). 2 submissions from 2 submitters: Uncertain significance (2). Last evaluated 2026-01-26.

Conditions:
Hypertrophic cardiomyopathy 14. Identifiers: MedGen C2750467, MONDO:0013197, OMIM 613251.

gnomAD v4.1: 1 of 1,614,146 alleles (0.000062%); no homozygotes.

Submissions (2):

Dasa
Classification: Uncertain significance. Last evaluated: 2026-01-26. Review status: criteria provided, single submitter. Criteria: DASA Assertion Criteria. Collection method: clinical testing. Allele origin: germline.
Comment: NM_002471.4(MYH6):c.643-1G>A affects a canonical splice site and is predicted to disrupt normal RNA splicing. This variant is rare in population databases. Computational prediction algorithms are consistent with a deleterious effect. The currently available literature and clinical evidence are not sufficient to establish a definitive association between this variant and the reported condition. Therefore, this variant is classified as a variant of uncertain significance.

Labcorp Genetics (formerly Invitae), Labcorp
Classification: Uncertain significance for Hypertrophic cardiomyopathy 14. Last evaluated: 2024-07-01. Review status: criteria provided, single submitter. Criteria: Invitae Variant Classification Sherloc (09022015). Collection method: clinical testing. Allele origin: germline.
Comment: This sequence change affects an acceptor splice site in intron 7 of the MYH6 gene. It is expected to disrupt RNA splicing. Variants that disrupt the donor or acceptor splice site typically lead to a loss of protein function (PMID: 16199547), however the current clinical and genetic evidence is not sufficient to establish whether loss-of-function variants in MYH6 cause disease. This variant is not present in population databases (gnomAD no frequency). This variant has not been reported in the literature in individuals affected with MYH6-related conditions. ClinVar contains an entry for this variant (Variation ID: 1989849). Algorithms developed to predict the effect of sequence changes on RNA splicing suggest that this variant may disrupt the consensus splice site. In summary, the available evidence is currently insufficient to determine the role of this variant in disease. Therefore, it has been classified as a Variant of Uncertain Significance.

Literature cited by the submitters: PubMed 16199547 (cited by Labcorp Genetics (formerly Invitae), Labcorp).